The following is an entry in ClinVar:

NM_004204.5(PIGQ):c.1636C>T (p.Leu546Phe)

Gene: PIGQ (phosphatidylinositol glycan anchor biosynthesis class Q; plus strand). Cytogenetic location: 16p13.3.
Variant type: single nucleotide variant.
Coding change: c.1636C>T on transcript NM_004204.5 (MANE Select); coding-DNA position 1636, C replaced by T.
Protein change: p.Leu546Phe; replaces leucine 546 with phenylalanine.
Molecular consequence: missense variant.
Genome position (GRCh38, 1-based): chr16:582,925, C>T. VCF-style: chr16-582925-C-T. GRCh37 (hg19) VCF-style: chr16-632925-C-T.
Other names: c.1574C>T (NM_148920.1); c.1574C>T, p.Pro525Leu (NM_148920.4); short protein forms L546F, P525L.
Identifiers: ClinVar variation 2185738 (VCV002185738.2), dbSNP rs1168968519, ClinGen allele CA394061770.

ClinVar aggregate classification (germline): Uncertain significance. Review status: criteria provided, multiple submitters, no conflicts (2 of 4 stars). 2 submissions from 2 submitters: Uncertain significance (2). Last evaluated 2025-11-05.

Conditions:
Inborn genetic diseases. Identifiers: MedGen C0950123, MeSH D030342.
Epilepsy. Also called: Seizure disorder. Identifiers: MedGen C0014544, MeSH D004827, MONDO:0005027.

Allele frequency attached by ClinVar (database versions not stated): gnomAD exomes 0.00001; TOPMed 0.00001; gnomAD 0.00002.
gnomAD v4.1: 12 of 1,612,294 alleles (0.00074%); highest among the groups gnomAD compares: Non-Finnish European, 0.001%; no homozygotes.

Submissions (2):

Ambry Genetics
Classification: Uncertain significance for Inborn genetic diseases. Last evaluated: 2025-11-05. Review status: criteria provided, single submitter. Criteria: Ambry Variant Classification Scheme 2023. Collection method: clinical testing. Allele origin: germline.

Labcorp Genetics (formerly Invitae), Labcorp
Classification: Uncertain significance for Epilepsy. Last evaluated: 2022-03-14. Review status: criteria provided, single submitter. Criteria: Invitae Variant Classification Sherloc (09022015). Collection method: clinical testing. Allele origin: germline.
Comment: This sequence change replaces leucine, which is neutral and non-polar, with phenylalanine, which is neutral and non-polar, at codon 546 of the PIGQ protein (p.Leu546Phe). This variant is present in population databases (no rsID available, gnomAD 0.002%). This variant has not been reported in the literature in individuals affected with PIGQ-related conditions. Algorithms developed to predict the effect of missense changes on protein structure and function are either unavailable or do not agree on the potential impact of this missense change (SIFT: "Deleterious"; PolyPhen-2: "Benign"; Align-GVGD: "Class C0"). In summary, the available evidence is currently insufficient to determine the role of this variant in disease. Therefore, it has been classified as a Variant of Uncertain Significance.